The following is an entry in ClinVar:

NM_001018005.2(TPM1):c.187G>C (p.Ala63Pro)

Gene: TPM1 (tropomyosin 1; plus strand). Cytogenetic location: 15q22.2.
Variant type: single nucleotide variant.
Coding change: c.187G>C on transcript NM_001018005.2 (MANE Select); coding-DNA position 187, G replaced by C.
Protein change: p.Ala63Pro; replaces alanine 63 with proline.
Molecular consequence: missense variant. On other transcripts: intron variant (3).
Genome position (GRCh38, 1-based): chr15:63,044,099, G>C. VCF-style: chr15-63044099-G-C. GRCh37 (hg19) VCF-style: chr15-63336298-G-C.
Other names: c.187G>C, p.Ala63Pro (NM_000366.6, NM_001018004.2, NM_001018006.2 and 3 more transcripts); c.313G>C, p.Ala105Pro (NM_001365778.1); c.240+268G>C (NM_001018020.2, NM_001018007.2, NM_001301244.2); short protein forms A105P, A63P.
Identifiers: ClinVar variation 1214973 (VCV001214973.3), dbSNP rs1064796782, ClinGen allele CA392718635.

ClinVar aggregate classification (germline): Uncertain significance (1 of 4 stars; one submission).

Submission:

GeneDx
Classification: Uncertain significance. Last evaluated: 2019-09-10. Review status: criteria provided, single submitter. Criteria: GeneDx Variant Classification Process June 2021. Collection method: clinical testing. Allele origin: germline. Affected: yes.
Comment: Has not been previously reported as pathogenic or benign to our knowledge; Not observed in large population cohorts (Lek et al., 2016); In silico analysis, which includes protein predictors and evolutionary conservation, supports that this variant does not alter protein structure/function